The following is an entry in ClinVar:

ClinVar aggregate classification (germline): Uncertain significance. Review status: criteria provided, multiple submitters, no conflicts (2 of 4 stars). 2 submissions from 2 submitters: Uncertain significance (2). Last evaluated 2023-10-20.

Conditions:
Werner syndrome (WRN). Identifiers: Orphanet 902, MedGen C0043119, MONDO:0010196, OMIM 277700.

Allele frequency attached by ClinVar (database versions not stated): ExAC 0.00002; gnomAD 0.00004 and 0.00003; gnomAD exomes 0.00004 and 0.00003; TOPMed 0.00003.
gnomAD v4.1: 45 of 1,613,628 alleles (0.0028%); highest among the groups gnomAD compares: South Asian, 0.032%; no homozygotes.

Submissions (2):

Labcorp Genetics (formerly Invitae), Labcorp
Classification: Uncertain significance for Werner syndrome. Last evaluated: 2023-10-20. Review status: criteria provided, single submitter. Criteria: Invitae Variant Classification Sherloc (09022015). Collection method: clinical testing. Allele origin: germline.
Comment: This sequence change replaces serine, which is neutral and polar, with leucine, which is neutral and non-polar, at codon 1146 of the WRN protein (p.Ser1146Leu). This variant is present in population databases (rs779264260, gnomAD 0.03%). This variant has not been reported in the literature in individuals affected with WRN-related conditions. ClinVar contains an entry for this variant (Variation ID: 238155). Algorithms developed to predict the effect of missense changes on protein structure and function output the following: SIFT: "Not Available"; PolyPhen-2: "Benign"; Align-GVGD: "Not Available". The leucine amino acid residue is found in multiple mammalian species, which suggests that this missense change does not adversely affect protein function. In summary, the available evidence is currently insufficient to determine the role of this variant in disease. Therefore, it has been classified as a Variant of Uncertain Significance.

Mendelics
Classification: Uncertain significance for Werner syndrome. Last evaluated: 2019-05-28. Review status: criteria provided, single submitter. Criteria: Mendelics Assertion Criteria 2017. Collection method: clinical testing. Allele origin: unknown.

NM_000553.6(WRN):c.3437C>T (p.Ser1146Leu)

Gene: WRN (WRN RecQ like helicase; plus strand). Cytogenetic location: 8p12.
Variant type: single nucleotide variant.
Coding change: c.3437C>T on transcript NM_000553.6 (MANE Select); coding-DNA position 3437, C replaced by T.
Protein change: p.Ser1146Leu; replaces serine 1146 with leucine.
Molecular consequence: missense variant.
Genome position (GRCh38, 1-based): chr8:31,147,106, C>T. VCF-style: chr8-31147106-C-T. GRCh37 (hg19) VCF-style: chr8-31004622-C-T.
Other names: short protein forms S1146L.
Identifiers: ClinVar variation 238155 (VCV000238155.6), dbSNP rs779264260, ClinGen allele CA4705060.